The following is an entry in ClinVar:

NM_001387430.1(SH2B1):c.197G>A (p.Arg66His)

Gene: SH2B1 (SH2B adaptor protein 1; plus strand). Cytogenetic location: 16p11.2.
Variant type: single nucleotide variant.
Coding change: c.197G>A on transcript NM_001387430.1 (MANE Select); coding-DNA position 197, G replaced by A.
Protein change: p.Arg66His; replaces arginine 66 with histidine.
Molecular consequence: missense variant. On other transcripts: intron variant (1).
Genome position (GRCh38, 1-based): chr16:28,866,291, G>A. VCF-style: chr16-28866291-G-A. GRCh37 (hg19) VCF-style: chr16-28877612-G-A.
Other names: c.197G>A, p.Arg66His (NM_001145795.2, NM_001145796.2, NM_001145797.2 and 4 more transcripts); c.-26-1083G>A (NM_001308294.2); short protein forms R66H.
Identifiers: ClinVar variation 3350899 (VCV003350899.2).

ClinVar aggregate classification (germline): Uncertain significance (1 of 4 stars; one submission).

Conditions:
SH2B1-related disorder. Also called: SH2B1-related condition.

gnomAD v4.1: 27 of 1,610,196 alleles (0.0017%); highest among the groups gnomAD compares: East Asian, 0.025%; no homozygotes.

Submission:

PreventionGenetics, part of Exact Sciences
Classification: Uncertain significance for SH2B1-related condition. Last evaluated: 2026-07-09. Review status: criteria provided, single submitter. Criteria: ACMG Guidelines, 2015. Collection method: clinical testing. Allele origin: germline.
Comment: The SH2B1 c.197G>A variant is predicted to result in the amino acid substitution p.Arg66His. This variant has been observed in an individual with obesity (Table 1, Campos et al. 2022. PubMed ID:35654930). This variant is reported in 0.00091% of alleles in individuals of European (Non-Finnish) descent in gnomAD. At this time, the clinical significance of this variant is uncertain due to the absence of conclusive functional and genetic evidence.